The following is an entry in ClinVar:

NM_152703.5(SAMD9L):c.4567C>T (p.Arg1523Cys)

Gene: SAMD9L (sterile alpha motif domain containing 9 like; minus strand). Cytogenetic location: 7q21.2.
Variant type: single nucleotide variant.
Coding change: c.4567C>T on transcript NM_152703.5 (MANE Select); coding-DNA position 4567, C replaced by T.
Protein change: p.Arg1523Cys; replaces arginine 1523 with cysteine.
Molecular consequence: missense variant.
Genome position (GRCh38, 1-based): chr7:93,131,405, G>A on the plus strand (C>T on the coding strand, the complement: SAMD9L is on the minus strand). VCF-style: chr7-93131405-G-A. GRCh37 (hg19) VCF-style: chr7-92760718-G-A.
Other names: c.4567C>T (NM_152703.3, NM_152703.2); c.4567C>T, p.Arg1523Cys (NM_001350082.2, NM_001350083.2, NM_001350084.2 and 5 more transcripts); short protein forms R1523C.
Identifiers: ClinVar variation 1357387 (VCV001357387.11), dbSNP rs747058390, ClinGen allele CA4343280.

ClinVar aggregate classification (germline): Conflicting classifications of pathogenicity. Review status: criteria provided, conflicting classifications (1 of 4 stars). 3 submissions from 3 submitters: Uncertain significance (2); Likely benign (1). Last evaluated 2025-12-16.

Conditions:
Inborn genetic diseases. Identifiers: MedGen C0950123, MeSH D030342.

Allele frequency attached by ClinVar (database versions not stated): gnomAD 0.00001; gnomAD exomes 0.00001 and 0.00006; TOPMed 0.00002; ExAC 0.00003.
gnomAD v4.1: 17 of 1,613,492 alleles (0.0011%); highest among the groups gnomAD compares: Admixed American, 0.013%; no homozygotes.

Submissions (3):

Ambry Genetics
Classification: Likely benign for Inborn genetic diseases. Last evaluated: 2025-12-16. Review status: criteria provided, single submitter. Criteria: Ambry Variant Classification Scheme 2023. Collection method: clinical testing. Allele origin: germline.

Labcorp Genetics (formerly Invitae), Labcorp
Classification: Uncertain significance. Last evaluated: 2025-10-02. Review status: criteria provided, single submitter. Criteria: Invitae Variant Classification Sherloc (09022015). Collection method: clinical testing. Allele origin: germline.
Comment: This sequence change replaces arginine, which is basic and polar, with cysteine, which is neutral and slightly polar, at codon 1523 of the SAMD9L protein (p.Arg1523Cys). This variant is present in population databases (rs747058390, gnomAD 0.02%). This variant has not been reported in the literature in individuals affected with SAMD9L-related conditions. ClinVar contains an entry for this variant (Variation ID: 1357387). Invitae Evidence Modeling of protein sequence and biophysical properties (such as structural, functional, and spatial information, amino acid conservation, physicochemical variation, residue mobility, and thermodynamic stability) indicates that this missense variant is not expected to disrupt SAMD9L protein function with a negative predictive value of 80%. In summary, the available evidence is currently insufficient to determine the role of this variant in disease. Therefore, it has been classified as a Variant of Uncertain Significance.

GeneDx
Classification: Uncertain significance. Last evaluated: 2024-11-05. Review status: criteria provided, single submitter. Criteria: GeneDx Variant Classification Process June 2021. Collection method: clinical testing. Allele origin: germline. Affected: yes.
Comment: In silico analysis indicates that this missense variant does not alter protein structure/function; Has not been previously published as pathogenic or benign to our knowledge; This variant is associated with the following publications: (PMID: 28545555)